The following is an entry in ClinVar:

ClinVar aggregate classification (germline): Uncertain significance (1 of 4 stars; one submission).

Conditions:
3M syndrome 2. Also called: 3-M Syndrome, OBSL1-Related; THREE M SYNDROME 2. Identifiers: Orphanet 2616, MedGen C2752041, MONDO:0013039, OMIM 612921.

Submission:

Juno Genomics, Hangzhou Juno Genomics, Inc
Classification: Uncertain significance for 3M syndrome 2. Review status: criteria provided, single submitter. Criteria: ACMG Guidelines, 2015. Collection method: clinical testing. Allele origin: germline.
Comment: Absent from controls (or at extremely low frequency if recessive) in Genome Aggregation Database.;Protein length changes due to in-frame deletions/insertions in a non-repeat region or stop-loss variants.

NM_015311.3(OBSL1):c.3722_3748dup (p.Ala1249_Ala1250insGlyLeuTyrThrCysGlnSerGlyAla)

Gene: OBSL1 (obscurin like cytoskeletal adaptor 1; minus strand). Cytogenetic location: 2q35.
Variant type: Duplication.
Coding change: c.3722_3748dup on transcript NM_015311.3 (MANE Select); coding-DNA positions 3722 to 3748, 27 bases duplicated (GGCTCTACACCTGCCAGTCTGGAGCAG).
Protein change: p.Ala1249_Ala1250insGlyLeuTyrThrCysGlnSerGlyAla.
Molecular consequence: inframe insertion.
Genome position (GRCh38, 1-based): chr2:219,557,865-219,557,891, CTGCTCCAGACTGGCAGGTGTAGAGCC duplicated on the plus strand (GGCTCTACACCTGCCAGTCTGGAGCAG on the coding strand, the reverse complement: OBSL1 is on the minus strand); duplicating any 27 consecutive bases within chr2:219,557,865-219,557,895 gives the same sequence; the c. name uses the placement nearest the transcript's 3' end. VCF-style (leftmost placement, unchanged base first): chr2-219557864-G-GCTGCTCCAGACTGGCAGGTGTAGAGCC. GRCh37 (hg19) VCF-style: chr2-220422586-G-GCTGCTCCAGACTGGCAGGTGTAGAGCC.
Other names: c.3722_3748dup, p.Ala1249_Ala1250insGlyLeuTyrThrCysGlnSerGlyAla (NM_001173431.2).
Identifiers: ClinVar variation 5006228 (VCV005006228.2).
Genomic context (GRCh38, chr2:219,557,864, plus strand): 5'-ATGCCCAGGCTGTACTCACCAGCCACCTGGACGGTGAAGCTGAGGCTTGGGGCTCCGGGG[G>GCTGCTCCAGACTGGCAGGTGTAGAGCC]CTGCTCCAGACTGGCAGGTGTAGAGCCCTGCATGGGCTGGGCCTGCAGCCTGGATGCAGA-3'